The following is an entry in ClinVar:

ClinVar aggregate classification (germline): Uncertain significance. Review status: criteria provided, multiple submitters, no conflicts (2 of 4 stars). 2 submissions from 2 submitters: Uncertain significance (2). Last evaluated 2023-07-17.

Conditions:
Kabuki syndrome 1 (KABUK1). Also called: KMT2D-Related Kabuki Syndrome. Identifiers: Orphanet 2322, MedGen CN030661, MONDO:0007843, OMIM 147920.

Allele frequency attached by ClinVar (database versions not stated): gnomAD exomes below 0.00001.

Submissions (2):

Victorian Clinical Genetics Services, Murdoch Childrens Research Institute
Classification: Uncertain significance for Kabuki syndrome 1. Last evaluated: 2023-07-17. Review status: criteria provided, single submitter. Criteria: ACMG Guidelines, 2015. Collection method: clinical testing. Allele origin: germline. Inheritance: Autosomal dominant inheritance. Affected: yes.
Comment: Based on the classification scheme VCGS_Germline_v1.3.4, this variant is classified as VUS-3B. Following criteria are met: 0102 - Loss of function is a known mechanism of disease in this gene and is associated with Kabuki syndrome 1 (MIM#147920) and branchial arch abnormalities, choanal atresia, athelia, hearing loss, and hypothyroidism syndrome (MIM#620186). The latter is caused by variants within exons 38-39 (PMID: 31949313). (I) 0107 - This gene is associated with autosomal dominant disease. (I) 0115 - Variants in this gene are known to have variable expressivity in Kabuki syndrome (GeneReviews). (I) 0200 - Variant is predicted to result in a missense amino acid change from glycine to aspartic acid. (I) 0251 - This variant is heterozygous. (I) 0301 - Variant is absent from gnomAD (both v2 and v3). (SP) 0309 - An alternative amino acid change at the same position has been observed in gnomAD (v2: 2 heterozygotes, 0 homozygotes). (I) 0501 - Missense variant consistently predicted to be damaging by multiple in silico tools or highly conserved with a major amino acid change. (SP) 0604 - Variant is not located in an established domain, motif, hotspot or informative constraint region. (I) 0705 - No comparable missense variants have previous evidence for pathogenicity. (I) 0809 - Previous evidence of pathogenicity for this variant is inconclusive. It has been classified as a VUS by a diagnostic laboratory in ClinVar. (I) 0905 - No published segregation evidence has been identified for this variant. (I) 1007 - No published functional evidence has been identified for this variant. (I) 1208 - Inheritance information for this variant is not currently available in this individual. (I) Legend: (SP) - Supporting pathogenic, (I) - Information, (SB) - Supporting benign

Center for Human Genetics, Inc
Classification: Uncertain significance for Kabuki syndrome 1. Last evaluated: 2016-11-01. Review status: criteria provided, single submitter. Criteria: ACMG Guidelines, 2015. Collection method: clinical testing. Allele origin: germline. Affected: yes.

Literature cited by the submitters: PubMed 31949313 (cited by Victorian Clinical Genetics Services, Murdoch Childrens Research Institute).

NM_003482.4(KMT2D):c.4766G>A (p.Gly1589Asp)

Gene: KMT2D (lysine methyltransferase 2D; minus strand). Cytogenetic location: 12q13.12.
Variant type: single nucleotide variant.
Coding change: c.4766G>A on transcript NM_003482.4 (MANE Select); coding-DNA position 4766, G replaced by A.
Protein change: p.Gly1589Asp; replaces glycine 1589 with aspartic acid.
Molecular consequence: missense variant.
Genome position (GRCh38, 1-based): chr12:49,044,941, C>T on the plus strand (G>A on the coding strand, the complement: KMT2D is on the minus strand). VCF-style: chr12-49044941-C-T. GRCh37 (hg19) VCF-style: chr12-49438724-C-T.
Other names: short protein forms G1589D.
Identifiers: ClinVar variation 547426 (VCV000547426.2), dbSNP rs1555194524, ClinGen allele CA384641388.